The following is an entry in ClinVar:

ClinVar aggregate classification (germline): Benign/Likely benign. Review status: criteria provided, multiple submitters, no conflicts (2 of 4 stars). 8 submissions from 8 submitters: Benign (4); Likely benign (1). 3 of the submissions do not count toward it. Last evaluated 2026-01-27.

Conditions:
Hereditary cancer-predisposing syndrome. Also called: Tumor predisposition; Neoplastic Syndromes, Hereditary; Hereditary neoplastic syndrome; Hereditary Cancer Syndrome. Identifiers: Orphanet 140162, MedGen C0027672, MeSH D009386, MONDO:0015356.
Nijmegen breakage syndrome-like disorder (NBSLD). Also called: MICROCEPHALY AND SPONTANEOUS CHROMOSOME INSTABILITY WITHOUT IMMUNODEFICIENCY; NBS-LIKE DISORDER; RAD50 DEFICIENCY. Identifiers: Orphanet 240760, MedGen C2751318, MONDO:0013118, OMIM 613078.

Submissions (8):

Labcorp Genetics (formerly Invitae), Labcorp
Classification: Benign for Hereditary cancer-predisposing syndrome. Last evaluated: 2026-01-27. Review status: criteria provided, single submitter. Criteria: Invitae Variant Classification Sherloc (09022015). Collection method: clinical testing. Allele origin: germline.

Quest Diagnostics Nichols Institute San Juan Capistrano
Classification: Benign. Last evaluated: 2025-09-17. Review status: criteria provided, single submitter. Criteria: Quest Diagnostics criteria. Collection method: clinical testing. Allele origin: unknown.

Blueprint Genetics
Classification: Likely benign. Last evaluated: 2023-07-19. Review status: criteria provided, single submitter. Criteria: ACMG Guidelines, 2015. Collection method: clinical testing. Allele origin: germline.

Women's Health and Genetics/Laboratory Corporation of America, LabCorp
Classification: Benign. Last evaluated: 2017-10-23. Review status: criteria provided, single submitter. Criteria: LabCorp Variant Classification Summary - May 2015. Collection method: clinical testing. Allele origin: germline.
Comment: Variant summary: The RAD50 c.756+7delT variant involves the alteration of a non-conserved intronic nucleotide and 4/5 splice prediction tools predict no significant impact on normal splicing. However, these predictions have yet to be confirmed by functional studies. This variant was found in 157/276094 control chromosomes, predominantly observed in the African subpopulation at a frequency of 0.006342 (152/23968). This frequency is about 101 times the estimated maximal expected allele frequency of a pathogenic RAD50 variant (0.0000625), suggesting this is likely a benign polymorphism found primarily in the populations of African origin. In addition, multiple clinical diagnostic laboratories/reputable databases classified this variant as benign. Taken together, this variant is classified as benign.

GeneDx
Classification: Benign for Neoplastic Syndromes, Hereditary. Last evaluated: 2014-02-24. Review status: criteria provided, single submitter. Criteria: GeneDx Variant Classification (06012015). Collection method: clinical testing. Allele origin: germline. Affected: yes.
Comment: The variant is found in BR-OV-HEREDIC panel(s).

Counsyl
Classification: Likely benign for Nijmegen breakage syndrome-like disorder. Last evaluated: 2016-11-03. Review status: no assertion criteria provided. Collection method: clinical testing. Allele origin: unknown. Not counted in ClinVar's aggregate classification.

Clinical Genetics DNA and cytogenetics Diagnostics Lab, Erasmus MC, Erasmus Medical Center
Classification: Likely benign. Review status: no assertion criteria provided. Collection method: clinical testing. Allele origin: germline. Affected: yes. Study: VKGL Data-share Consensus. Not counted in ClinVar's aggregate classification.

Genome Diagnostics Laboratory, Amsterdam University Medical Center
Classification: Benign. Review status: no assertion criteria provided. Collection method: clinical testing. Allele origin: germline. Affected: yes. Study: VKGL Data-share Consensus. Not counted in ClinVar's aggregate classification.

Literature cited by the submitters: PubMed 26564480 (cited by Women's Health and Genetics/Laboratory Corporation of America, LabCorp); PubMed 26787654 (cited by Women's Health and Genetics/Laboratory Corporation of America, LabCorp and Counsyl); PubMed 24894818 (cited by Counsyl).

NM_005732.4(RAD50):c.756+7del

Gene: RAD50 (RAD50 double strand break repair protein; plus strand). Cytogenetic location: 5q31.1.
Variant type: Deletion.
Coding change: c.756+7del on transcript NM_005732.4 (MANE Select); 7 bases into the intron after coding-DNA position 756, one base deleted (T; older notation c.756+7delT).
Molecular consequence: intron variant.
Genome position (GRCh38, 1-based): chr5:132,580,073, T deleted; the last of 2 consecutive T bases (chr5:132,580,072-132,580,073); deleting either gives the same sequence. VCF-style (leftmost placement, unchanged base first): chr5-132580071-CT-C. GRCh37 (hg19) VCF-style: chr5-131915763-CT-C.
Other names: c.756+7delT (NM_005732.3).
Identifiers: ClinVar variation 182819 (VCV000182819.20), dbSNP rs377720482, ClinGen allele CA333749.